The following is an entry in ClinVar:

ClinVar aggregate classification (germline): Conflicting classifications of pathogenicity. Review status: criteria provided, conflicting classifications (1 of 4 stars). 3 submissions from 3 submitters: Uncertain significance (1); Likely benign (2). Last evaluated 2026-01-18.

Allele frequency attached by ClinVar (database versions not stated): ExAC 0.00003; gnomAD 0.00004 and 0.00005; gnomAD exomes 0.00004 and 0.00009; TOPMed 0.00005.
gnomAD v4.1: 144 of 1,609,470 alleles (0.0089%); highest among the groups gnomAD compares: Non-Finnish European, 0.01%; no homozygotes.

Submissions (3):

Labcorp Genetics (formerly Invitae), Labcorp
Classification: Uncertain significance. Last evaluated: 2026-01-18. Review status: criteria provided, single submitter. Criteria: Invitae Variant Classification Sherloc (09022015). Collection method: clinical testing. Allele origin: germline.
Comment: This sequence change affects codon 695 of the ACO2 mRNA. It is a 'silent' change, meaning that it does not change the encoded amino acid sequence of the ACO2 protein. It affects a nucleotide within the consensus splice site. This variant is present in population databases (rs748105763, gnomAD 0.02%). This variant has not been reported in the literature in individuals affected with ACO2-related conditions. ClinVar contains an entry for this variant (Variation ID: 1365181). Algorithms developed to predict the effect of sequence changes on RNA splicing suggest that this variant is not likely to affect RNA splicing. In summary, the available evidence is currently insufficient to determine the role of this variant in disease. Therefore, it has been classified as a Variant of Uncertain Significance.

CeGaT Center for Human Genetics Tuebingen
Classification: Likely benign. Last evaluated: 2025-06-01. Review status: criteria provided, single submitter. Criteria: CeGaT Center For Human Genetics Tuebingen Variant Classification Criteria Version 2. Collection method: clinical testing. Allele origin: germline. Affected: yes. Observed: 1 variant allele.
Comment: ACO2: BP4, BP7

Blueprint Genetics
Classification: Likely benign. Last evaluated: 2024-08-21. Review status: criteria provided, single submitter. Criteria: ACMG Guidelines, 2015. Collection method: clinical testing. Allele origin: germline.

NM_001098.3(ACO2):c.2085C>T (p.His695=)

Genes: ACO2 (aconitase 2; plus strand), POLR3H (RNA polymerase III subunit H; minus strand). Cytogenetic location: 22q13.2.
Variant type: single nucleotide variant.
Coding change: c.2085C>T on transcript NM_001098.3 (MANE Select); coding-DNA position 2085, C replaced by T.
Protein change: p.His695=; no amino-acid change (histidine 695 retained).
Molecular consequence: synonymous variant. On other transcripts: 3 prime UTR variant (5).
Genome position (GRCh38, 1-based): chr22:41,527,419, C>T. VCF-style: chr22-41527419-C-T. GRCh37 (hg19) VCF-style: chr22-41923423-C-T.
Other names: c.*1864G>A (NM_001018050.4, NM_001018052.4, NM_001282884.2 and 2 more transcripts).
Identifiers: ClinVar variation 1365181 (VCV001365181.15), dbSNP rs748105763, ClinGen allele CA10257868.